The following is an entry in ClinVar:

ClinVar aggregate classification (germline): Benign. Review status: criteria provided, multiple submitters, no conflicts (2 of 4 stars). 2 submissions from 2 submitters: Benign (2). Last evaluated 2018-01-13.

Conditions:
Hennekam lymphangiectasia-lymphedema syndrome 1 (HKLLS1). Also called: LYMPHATIC DYSPLASIA, GENERALIZED. Identifiers: Orphanet 2136, MedGen C4012050, MONDO:0009337, OMIM 235510.

Allele frequency attached by ClinVar (database versions not stated): TOPMed 0.38231; gnomAD 0.38748 and 0.39457; 1000 Genomes Project 30x 0.42692; 1000 Genomes Project 0.43490.

Submissions (2):

Illumina Laboratory Services, Illumina
Classification: Benign for Hennekam lymphangiectasia-lymphedema syndrome 1. Last evaluated: 2018-01-13. Review status: criteria provided, single submitter. Criteria: ICSL Variant Classification Criteria 13 December 2019. Collection method: clinical testing. Allele origin: germline.
Comment: This variant was observed in the ICSL laboratory as part of a predisposition screen in an ostensibly healthy population. It had not been previously curated by ICSL or reported in the Human Gene Mutation Database (HGMD: prior to June 1st, 2018), and was therefore a candidate for classification through an automated scoring system. Utilizing variant allele frequency, disease prevalence and penetrance estimates, and inheritance mode, an automated score was calculated to assess if this variant is too frequent to cause the disease. Based on the score and internal cut-off values, a variant classified as benign is not then subjected to further curation. The score for this variant resulted in a classification of benign for this disease.

Breakthrough Genomics
Classification: Benign. Review status: criteria provided, single submitter. Criteria: ACMG Guidelines, 2015. Collection method: not provided. Allele origin: germline. Inheritance: Autosomal recessive inheritance. Affected: yes.

NM_133459.4(CCBE1):c.*2730A>G

Gene: CCBE1 (collagen and calcium binding EGF domains 1; minus strand). Cytogenetic location: 18q21.32.
Variant type: single nucleotide variant.
Coding change: c.*2730A>G on transcript NM_133459.4 (MANE Select); 2730 bases downstream of the stop codon, A replaced by G.
Molecular consequence: 3 prime UTR variant.
Genome position (GRCh38, 1-based): chr18:59,433,178, T>C on the plus strand (A>G on the coding strand, the complement: CCBE1 is on the minus strand). VCF-style: chr18-59433178-T-C. GRCh37 (hg19) VCF-style: chr18-57100410-T-C.
Other names: c.*2730A>G (LRG_1209t1).
Identifiers: ClinVar variation 327633 (VCV000327633.6), dbSNP rs1975499, ClinGen allele CA10651264.
Genomic context (GRCh38, chr18:59,433,178, plus strand): 5'-GAGAAGGAGGAAGGAAAGATGCTAGATAAAGAGCACCCCACCCTAAAAAGAAATTTTTTC[T>C]TTTTAAAAAGTCTCCTTTATTCGAAAAGAGGCAGACTGGTTCCTGGGGTTACTGCCCTTC-3'